The following is an entry in ClinVar:

ClinVar aggregate classification (germline): Uncertain significance (1 of 4 stars; one submission).

Allele frequency attached by ClinVar (database versions not stated): gnomAD exomes below 0.00001.
gnomAD v4.1: 2 of 1,610,546 alleles (0.00012%); highest among the groups gnomAD compares: Non-Finnish European, 0.00017%; no homozygotes.

Submission:

Labcorp Genetics (formerly Invitae), Labcorp
Classification: Uncertain significance. Last evaluated: 2023-07-22. Review status: criteria provided, single submitter. Criteria: Invitae Variant Classification Sherloc (09022015). Collection method: clinical testing. Allele origin: germline.
Comment: In summary, the available evidence is currently insufficient to determine the role of this variant in disease. Therefore, it has been classified as a Variant of Uncertain Significance. Advanced modeling of protein sequence and biophysical properties (such as structural, functional, and spatial information, amino acid conservation, physicochemical variation, residue mobility, and thermodynamic stability) performed at Invitae indicates that this missense variant is expected to disrupt POLE protein function. ClinVar contains an entry for this variant (Variation ID: 960067). This variant has not been reported in the literature in individuals affected with POLE-related conditions. This variant is not present in population databases (gnomAD no frequency). This sequence change replaces proline, which is neutral and non-polar, with serine, which is neutral and polar, at codon 1692 of the POLE protein (p.Pro1692Ser).

NM_006231.4(POLE):c.5074C>T (p.Pro1692Ser)

Gene: POLE (DNA polymerase epsilon, catalytic subunit; minus strand). Cytogenetic location: 12q24.33.
Variant type: single nucleotide variant.
Coding change: c.5074C>T on transcript NM_006231.4 (MANE Select); coding-DNA position 5074, C replaced by T.
Protein change: p.Pro1692Ser; replaces proline 1692 with serine.
Molecular consequence: missense variant.
Genome position (GRCh38, 1-based): chr12:132,642,276, G>A on the plus strand (C>T on the coding strand, the complement: POLE is on the minus strand). VCF-style: chr12-132642276-G-A. GRCh37 (hg19) VCF-style: chr12-133218862-G-A.
Other names: short protein forms P1692S.
Identifiers: ClinVar variation 960067 (VCV000960067.9), dbSNP rs2042162803, ClinGen allele CA387377025.